The following is an entry in ClinVar:

ClinVar aggregate classification (germline): Pathogenic. Review status: criteria provided, multiple submitters, no conflicts (2 of 4 stars). 2 submissions from 2 submitters: Pathogenic (2). Last evaluated 2025-12-24.

Conditions:
Hereditary cancer-predisposing syndrome. Also called: Neoplastic Syndromes, Hereditary; Hereditary Cancer Syndrome; Hereditary neoplastic syndrome; Tumor predisposition. Identifiers: Orphanet 140162, MedGen C0027672, MeSH D009386, MONDO:0015356.
Fanconi anemia complementation group J. Also called: BRIP1-Related Fanconi Anemia. Identifiers: Orphanet 84, MedGen C1836860, MONDO:0012187, OMIM 609054.
Familial cancer of breast. Also called: hereditary breast carcinoma; BREAST CANCER, FAMILIAL; Hereditary breast cancer. Identifiers: Orphanet 227535, MedGen C0346153, MONDO:0016419, OMIM 114480. Disease mechanism: loss of function.

Submissions (2):

Labcorp Genetics (formerly Invitae), Labcorp
Classification: Pathogenic for Familial cancer of breast; Fanconi anemia complementation group J. Last evaluated: 2025-12-24. Review status: criteria provided, single submitter. Criteria: Invitae Variant Classification Sherloc (09022015). Collection method: clinical testing. Allele origin: germline.
Comment: This sequence change creates a premature translational stop signal (p.Ser128Profs*2) in the BRIP1 gene. It is expected to result in an absent or disrupted protein product. Loss-of-function variants in BRIP1 are known to be pathogenic (PMID: 16116423, 17033622, 21964575). This variant is not present in population databases (gnomAD no frequency). This variant has not been reported in the literature in individuals affected with BRIP1-related conditions. ClinVar contains an entry for this variant (Variation ID: 824262). For these reasons, this variant has been classified as Pathogenic.

Ambry Genetics
Classification: Pathogenic for Hereditary cancer-predisposing syndrome. Last evaluated: 2019-04-02. Review status: criteria provided, single submitter. Criteria: Ambry Variant Classification Scheme 2023. Collection method: clinical testing. Allele origin: germline.
Comment: The c.382_383delTC pathogenic mutation, located in coding exon 4 of the BRIP1 gene, results from a deletion of two nucleotides at nucleotide positions 382 to 383, causing a translational frameshift with a predicted alternate stop codon (p.S128Pfs*2). This alteration is expected to result in loss of function by premature protein truncation or nonsense-mediated mRNA decay. As such, this alteration is interpreted as a disease-causing mutation.

Literature cited by the submitters: PubMed 16116423 (cited by Labcorp Genetics (formerly Invitae), Labcorp); PubMed 17033622 (cited by Labcorp Genetics (formerly Invitae), Labcorp); PubMed 21964575 (cited by Labcorp Genetics (formerly Invitae), Labcorp).

NM_032043.3(BRIP1):c.382_383del (p.Ser128fs)

Gene: BRIP1 (BRCA1 interacting DNA helicase 1; minus strand). Cytogenetic location: 17q23.2.
Variant type: Deletion.
Coding change: c.382_383del on transcript NM_032043.3 (MANE Select); coding-DNA positions 382 to 383, 2 bases deleted (TC; older notation c.382_383delTC).
Protein change: p.Ser128fs; shifts the reading frame from serine 128.
Molecular consequence: frameshift variant.
Genome position (GRCh38, 1-based): chr17:61,849,253-61,849,254, GA deleted on the plus strand (TC on the coding strand, the reverse complement: BRIP1 is on the minus strand); deleting any 2 consecutive bases within chr17:61,849,253-61,849,255 gives the same sequence; the c. name uses the placement nearest the transcript's 3' end. VCF-style (leftmost placement, unchanged base first): chr17-61849252-GGA-G. GRCh37 (hg19) VCF-style: chr17-59926613-GGA-G.
Other names: short protein forms S128fs.
Identifiers: ClinVar variation 824262 (VCV000824262.6), dbSNP rs1603362725, ClinGen allele CA915950670.